The following is an entry in ClinVar:

NM_001365951.3(KIF1B):c.4457A>G (p.Asp1486Gly)

Gene: KIF1B (kinesin family member 1B; plus strand). Cytogenetic location: 1p36.22.
Variant type: single nucleotide variant.
Coding change: c.4457A>G on transcript NM_001365951.3 (MANE Select); coding-DNA position 4457, A replaced by G.
Protein change: p.Asp1486Gly; replaces aspartic acid 1486 with glycine.
Molecular consequence: missense variant.
Genome position (GRCh38, 1-based): chr1:10,365,190, A>G. VCF-style: chr1-10365190-A-G. GRCh37 (hg19) VCF-style: chr1-10425248-A-G.
Other names: c.4457A>G, p.Asp1486Gly (NM_001365952.1); c.4319A>G, p.Asp1440Gly (NM_015074.3); short protein forms D1440G, D1486G.
Identifiers: ClinVar variation 1358724 (VCV001358724.8), dbSNP rs2102349923, ClinGen allele CA338320809.

ClinVar aggregate classification (germline): Uncertain significance (1 of 4 stars; one submission).

Conditions:
Charcot-Marie-Tooth disease type 2. Also called: Charcot-Marie-Tooth type 2. Identifiers: Orphanet 64746, MedGen C0270914, MONDO:0018993.

Submission:

Labcorp Genetics (formerly Invitae), Labcorp
Classification: Uncertain significance for Charcot-Marie-Tooth disease type 2. Last evaluated: 2021-06-03. Review status: criteria provided, single submitter. Criteria: Invitae Variant Classification Sherloc (09022015). Collection method: clinical testing. Allele origin: germline.
Comment: This sequence change replaces aspartic acid with glycine at codon 1440 of the KIF1B protein (p.Asp1440Gly). The aspartic acid residue is highly conserved and there is a moderate physicochemical difference between aspartic acid and glycine. This variant is not present in population databases (ExAC no frequency). This variant has not been reported in the literature in individuals with KIF1B-related conditions. Algorithms developed to predict the effect of missense changes on protein structure and function are either unavailable or do not agree on the potential impact of this missense change (SIFT: "Tolerated"; PolyPhen-2: "Probably Damaging"; Align-GVGD: "Class C0"). In summary, the available evidence is currently insufficient to determine the role of this variant in disease. Therefore, it has been classified as a Variant of Uncertain Significance.